The following is an entry in ClinVar:

ClinVar aggregate classification (germline): Uncertain significance (1 of 4 stars; one submission).

Submission:

GeneDx
Classification: Uncertain significance. Last evaluated: 2026-04-09. Review status: criteria provided, single submitter. Criteria: GeneDx Variant Classification Process June 2021. Collection method: clinical testing. Allele origin: germline.
Comment: Not observed at significant frequency in large population cohorts (gnomAD); In silico analysis suggests that this missense variant does not alter protein structure/function; Has not been previously published as pathogenic or benign to our knowledge

NM_004974.4(KCNA2):c.850G>A (p.Gly284Ser)

Gene: KCNA2 (potassium voltage-gated channel subfamily A member 2; minus strand). Cytogenetic location: 1p13.3.
Variant type: single nucleotide variant.
Coding change: c.850G>A on transcript NM_004974.4 (MANE Select); coding-DNA position 850, G replaced by A.
Protein change: p.Gly284Ser; replaces glycine 284 with serine.
Molecular consequence: missense variant.
Genome position (GRCh38, 1-based): chr1:110,603,933, C>T on the plus strand (G>A on the coding strand, the complement: KCNA2 is on the minus strand). VCF-style: chr1-110603933-C-T. GRCh37 (hg19) VCF-style: chr1-111146555-C-T.
Other names: c.850G>A, p.Gly284Ser (NM_001204269.2); short protein forms G284S.
Identifiers: ClinVar variation 5018240 (VCV005018240.1).
Genomic context (GRCh38, chr1:110,603,933, plus strand): 5'-TCCTAAAGACTCTTACCAACCGGATGACACGGAGGATGGCCAGTGACATGGCCTGCTGGC[C>T]TTGCTGAGCGTCCTCTGGCTTCTCAGCCAACTCTGTCCCCAGGGTGATGAAGTAGGGGAT-3'
Protein context (NP_004965.1, residues 274-294): LAEKPEDAQQ[Gly284Ser]QQAMSLAILR